The following is an entry in ClinVar:

ClinVar aggregate classification (germline): Uncertain significance (1 of 4 stars; one submission).

Submission:

Labcorp Genetics (formerly Invitae), Labcorp
Classification: Uncertain significance. Last evaluated: 2022-03-30. Review status: criteria provided, single submitter. Criteria: Invitae Variant Classification Sherloc (09022015). Collection method: clinical testing. Allele origin: germline.
Comment: This sequence change replaces aspartic acid, which is acidic and polar, with tyrosine, which is neutral and polar, at codon 31 of the ATP1A1 protein (p.Asp31Tyr). This variant is not present in population databases (gnomAD no frequency). This variant has not been reported in the literature in individuals affected with ATP1A1-related conditions. Algorithms developed to predict the effect of missense changes on protein structure and function are either unavailable or do not agree on the potential impact of this missense change (SIFT: "Deleterious"; PolyPhen-2: "Possibly Damaging"; Align-GVGD: "Class C0"). In summary, the available evidence is currently insufficient to determine the role of this variant in disease. Therefore, it has been classified as a Variant of Uncertain Significance.

NM_000701.8(ATP1A1):c.91G>T (p.Asp31Tyr)

Gene: ATP1A1 (ATPase Na+/K+ transporting subunit alpha 1; plus strand). Cytogenetic location: 1p13.1.
Variant type: single nucleotide variant.
Coding change: c.91G>T on transcript NM_000701.8 (MANE Select); coding-DNA position 91, G replaced by T.
Protein change: p.Asp31Tyr; replaces aspartic acid 31 with tyrosine.
Molecular consequence: missense variant. On other transcripts: 5 prime UTR variant (1).
Genome position (GRCh38, 1-based): chr1:116,384,092, G>T. VCF-style: chr1-116384092-G-T. GRCh37 (hg19) VCF-style: chr1-116926714-G-T.
Other names: c.91G>T, p.Asp31Tyr (NM_001160233.2); c.-3G>T (NM_001160234.2); short protein forms D31Y.
Identifiers: ClinVar variation 2114202 (VCV002114202.4), dbSNP rs2525807624, ClinGen allele CA341840338.